The following is an entry in ClinVar:

NM_198578.4(LRRK2):c.4587A>C (p.Glu1529Asp)

Gene: LRRK2 (leucine rich repeat kinase 2; plus strand). Cytogenetic location: 12q12.
Variant type: single nucleotide variant.
Coding change: c.4587A>C on transcript NM_198578.4 (MANE Select); coding-DNA position 4587, A replaced by C.
Protein change: p.Glu1529Asp; replaces glutamic acid 1529 with aspartic acid.
Molecular consequence: missense variant.
Genome position (GRCh38, 1-based): chr12:40,314,022, A>C. VCF-style: chr12-40314022-A-C. GRCh37 (hg19) VCF-style: chr12-40707824-A-C.
Other names: short protein forms E1529D.
Identifiers: ClinVar variation 2447273 (VCV002447273.2), dbSNP rs1945122368, ClinGen allele CA384418841.
Genomic context (GRCh38, chr12:40,314,022, plus strand): 5'-AATTTCATAGATCCGAGATCAGCTTGTTGTTGGACAGCTGATTCCAGACTGCTATGTAGA[A>C]CTTGAAAAAATCATTTTATCGGAGCGTAAAAATGTGCCAATTGAATTTCCCGTAATTGAC-3'
Protein context (NP_940980.4, residues 1519-1539): VGQLIPDCYV[Glu1529Asp]LEKIILSERK

ClinVar aggregate classification (germline): Uncertain significance (1 of 4 stars; one submission).

Conditions:
Inborn genetic diseases. Identifiers: MedGen C0950123, MeSH D030342.

Submission:

Ambry Genetics
Classification: Uncertain significance for Inborn genetic diseases. Last evaluated: 2022-11-15. Review status: criteria provided, single submitter. Criteria: Ambry Variant Classification Scheme 2023. Collection method: clinical testing. Allele origin: germline.
Comment: The p.E1529D variant (also known as c.4587A>C), located in coding exon 32 of the LRRK2 gene, results from an A to C substitution at nucleotide position 4587. The glutamic acid at codon 1529 is replaced by aspartic acid, an amino acid with highly similar properties. This amino acid position is conserved. In addition, this alteration is predicted to be tolerated by in silico analysis. Since supporting evidence is limited at this time, the clinical significance of this alteration remains unclear.